The following is an entry in ClinVar:

NM_020821.3(VPS13C):c.386G>A (p.Gly129Asp)

Gene: VPS13C (vacuolar protein sorting 13 homolog C; minus strand). Cytogenetic location: 15q22.2.
Variant type: single nucleotide variant.
Coding change: c.386G>A on transcript NM_020821.3 (MANE Select); coding-DNA position 386, G replaced by A.
Protein change: p.Gly129Asp; replaces glycine 129 with aspartic acid.
Molecular consequence: missense variant. On other transcripts: intron variant (2).
Genome position (GRCh38, 1-based): chr15:62,028,420, C>T on the plus strand (G>A on the coding strand, the complement: VPS13C is on the minus strand). VCF-style: chr15-62028420-C-T. GRCh37 (hg19) VCF-style: chr15-62320619-C-T.
Other names: c.386G>A (NM_020821.2); c.386G>A, p.Gly129Asp (NM_001018088.3); c.386-4900G>A (NM_017684.5, NM_018080.4); short protein forms G129D.
Identifiers: ClinVar variation 2994017 (VCV002994017.4), dbSNP rs200758205, ClinGen allele CA271939285.

ClinVar aggregate classification (germline): Uncertain significance. Review status: criteria provided, single submitter (1 of 4 stars). 2 submissions from 2 submitters: Uncertain significance (1). 1 of the submissions does not count toward it. Last evaluated 2022-11-07.

Conditions:
VPS13C-related disorder. Also called: VPS13C-related condition.

Allele frequency attached by ClinVar (database versions not stated): gnomAD exomes below 0.00001; gnomAD 0.00001; TOPMed 0.00001.

Submissions (2):

Labcorp Genetics (formerly Invitae), Labcorp
Classification: Uncertain significance. Last evaluated: 2022-11-07. Review status: criteria provided, single submitter. Criteria: Invitae Variant Classification Sherloc (09022015). Collection method: clinical testing. Allele origin: germline.
Comment: Algorithms developed to predict the effect of missense changes on protein structure and function are either unavailable or do not agree on the potential impact of this missense change (SIFT: "Deleterious"; PolyPhen-2: "Benign"; Align-GVGD: "Class C0"). This variant is present in population databases (rs200758205, gnomAD 0.0009%). This variant has not been reported in the literature in individuals affected with VPS13C-related conditions. In summary, the available evidence is currently insufficient to determine the role of this variant in disease. Therefore, it has been classified as a Variant of Uncertain Significance. This sequence change replaces glycine, which is neutral and non-polar, with aspartic acid, which is acidic and polar, at codon 129 of the VPS13C protein (p.Gly129Asp).

PreventionGenetics, part of Exact Sciences
Classification: Uncertain significance for VPS13C-related condition. Last evaluated: 2024-04-01. Review status: no assertion criteria provided. Collection method: clinical testing. Allele origin: germline. Not counted in ClinVar's aggregate classification.
Comment: The VPS13C c.386G>A variant is predicted to result in the amino acid substitution p.Gly129Asp. To our knowledge, this variant has not been reported in the literature. This variant is reported in 0.00088% of alleles in individuals of European (Non-Finnish) descent in gnomAD. At this time, the clinical significance of this variant is uncertain due to the absence of conclusive functional and genetic evidence.